The following is an entry in ClinVar:

NM_000426.4(LAMA2):c.6429+1G>A

Gene: LAMA2 (laminin subunit alpha 2; plus strand). Cytogenetic location: 6q22.33.
Variant type: single nucleotide variant.
Coding change: c.6429+1G>A on transcript NM_000426.4 (MANE Select); the canonical splice donor site of the intron after coding-DNA position 6429, G replaced by A.
Molecular consequence: splice donor variant.
Genome position (GRCh38, 1-based): chr6:129,445,822, G>A. VCF-style: chr6-129445822-G-A. GRCh37 (hg19) VCF-style: chr6-129766967-G-A.
Other names: c.6429+1G>A (NM_001079823.2).
Identifiers: ClinVar variation 2007622 (VCV002007622.5), dbSNP rs1262029350, ClinGen allele CA365632407.
Genomic context (GRCh38, chr6:129,445,822, plus strand): 5'-AAGAAAAACATCTCTGAGATAAAGGAATTGATAAACCAAGCTCGGAAACAAGCCAATTCT[G>A]TAAGTTCTTTTTATCGTCAGTATCAGTAACTGATTGTAATTGTTGGATTATTCATAGAGG-3'

ClinVar aggregate classification (germline): Pathogenic/Likely pathogenic. Review status: criteria provided, multiple submitters, no conflicts (2 of 4 stars). 2 submissions from 2 submitters: Pathogenic (1); Likely pathogenic (1). Last evaluated 2023-12-14.

Conditions:
Merosin deficient congenital muscular dystrophy (MDC1A). Also called: Congenital merosin-deficient muscular dystrophy 1A; Congenital Muscular Dystrophy Type 1A (MDC1A). Identifiers: Orphanet 258, MedGen C1263858, MONDO:0011925, OMIM 607855.
LAMA2-related muscular dystrophy (LAMA2-RD). Also called: Laminin alpha 2-related dystrophy. Identifiers: MedGen C5679788, MONDO:0100228.

Submissions (2):

Baylor Genetics
Classification: Likely pathogenic for Merosin deficient congenital muscular dystrophy. Last evaluated: 2023-12-14. Review status: criteria provided, single submitter. Criteria: ACMG Guidelines, 2015. Collection method: clinical testing. Allele origin: unknown.

Labcorp Genetics (formerly Invitae), Labcorp
Classification: Pathogenic for LAMA2-related muscular dystrophy. Last evaluated: 2022-06-17. Review status: criteria provided, single submitter. Criteria: Invitae Variant Classification Sherloc (09022015). Collection method: clinical testing. Allele origin: germline.
Comment: Disruption of this splice site has been observed in individual(s) with congenital muscular dystrophy (PMID: 30055037). This sequence change affects a donor splice site in intron 45 of the LAMA2 gene. It is expected to disrupt RNA splicing. Variants that disrupt the donor or acceptor splice site typically lead to a loss of protein function (PMID: 16199547), and loss-of-function variants in LAMA2 are known to be pathogenic (PMID: 18700894, 32904964). This variant is not present in population databases (gnomAD no frequency). Algorithms developed to predict the effect of sequence changes on RNA splicing suggest that this variant may disrupt the consensus splice site. For these reasons, this variant has been classified as Pathogenic.

Literature cited by the submitters: PubMed 30055037 (cited by Labcorp Genetics (formerly Invitae), Labcorp); PubMed 16199547 (cited by Labcorp Genetics (formerly Invitae), Labcorp); PubMed 18700894 (cited by Labcorp Genetics (formerly Invitae), Labcorp); PubMed 32904964 (cited by Labcorp Genetics (formerly Invitae), Labcorp).